The following is an entry in ClinVar:

NM_018161.5(NADSYN1):c.433C>T (p.Arg145Trp)

Gene: NADSYN1 (NAD synthetase 1; plus strand). Cytogenetic location: 11q13.4.
Variant type: single nucleotide variant.
Coding change: c.433C>T on transcript NM_018161.5 (MANE Select); coding-DNA position 433, C replaced by T.
Protein change: p.Arg145Trp; replaces arginine 145 with tryptophan.
Molecular consequence: missense variant.
Genome position (GRCh38, 1-based): chr11:71,472,474, C>T. VCF-style: chr11-71472474-C-T. GRCh37 (hg19) VCF-style: chr11-71183520-C-T.
Other names: short protein forms R145W.
Identifiers: ClinVar variation 5004976 (VCV005004976.2).

ClinVar aggregate classification (germline): Uncertain significance (1 of 4 stars; one submission).

Conditions:
Vertebral, cardiac, renal, and limb defects syndrome 3. Also called: CONGENITAL NAD DEFICIENCY DISORDER 3. Identifiers: MedGen C5394250, MONDO:0030077, OMIM 618845.

Submission:

Juno Genomics, Hangzhou Juno Genomics, Inc
Classification: Uncertain significance for Vertebral, cardiac, renal, and limb defects syndrome 3. Review status: criteria provided, single submitter. Criteria: ACMG Guidelines, 2015. Collection method: clinical testing. Allele origin: germline.
Comment: Absent from controls (or at extremely low frequency if recessive) in Genome Aggregation Database.;Multiple lines of computational evidence support a deleterious effect on the gene or gene product.